The following is an entry in ClinVar:

NM_001987.5(ETV6):c.1279A>C (p.Met427Leu)

Gene: ETV6 (ETS variant transcription factor 6; plus strand). Cytogenetic location: 12p13.2.
Variant type: single nucleotide variant.
Coding change: c.1279A>C on transcript NM_001987.5 (MANE Select); coding-DNA position 1279, A replaced by C.
Protein change: p.Met427Leu; replaces methionine 427 with leucine.
Molecular consequence: missense variant. On other transcripts: 3 prime UTR variant (1).
Genome position (GRCh38, 1-based): chr12:11,890,966, A>C. VCF-style: chr12-11890966-A-C. GRCh37 (hg19) VCF-style: chr12-12043900-A-C.
Other names: c.1276A>C, p.Met426Leu (NM_001413913.1); c.1252A>C, p.Met418Leu (NM_001413914.1); c.1015A>C, p.Met339Leu (NM_001413915.1); c.*18A>C (NM_001413917.1); short protein forms M418L, M426L, M427L, M339L.
Identifiers: ClinVar variation 4251442 (VCV004251442.1).

ClinVar aggregate classification (germline): Uncertain significance (1 of 4 stars; one submission).

Conditions:
Inborn genetic diseases. Identifiers: MedGen C0950123, MeSH D030342.

gnomAD v4.1: 1 of 1,613,856 alleles (0.000062%); highest among the groups gnomAD compares: Non-Finnish European, 0.000085%; no homozygotes.

Submission:

Ambry Genetics
Classification: Uncertain significance for Inborn genetic diseases. Last evaluated: 2025-06-29. Review status: criteria provided, single submitter. Criteria: Ambry Variant Classification Scheme 2023. Collection method: clinical testing. Allele origin: germline.
Comment: The p.M427L variant (also known as c.1279A>C), located in coding exon 8 of the ETV6 gene, results from an A to C substitution at nucleotide position 1279. The methionine at codon 427 is replaced by leucine, an amino acid with highly similar properties. This amino acid position is conserved. In addition, the in silico prediction for this alteration is inconclusive. Based on the available evidence, the clinical significance of this variant remains unclear.